The following is an entry in ClinVar:

NM_000322.5(PRPH2):c.502AAC[1] (p.Asn169del)

Gene: PRPH2 (peripherin 2; minus strand). Cytogenetic location: 6p21.1.
Variant type: Microsatellite.
Coding change: c.502AAC[1] on transcript NM_000322.5 (MANE Select); one copy of the 3-base unit AAC starting at c.502; the reference has two copies in a row; one copy, 3 bases deleted; also written c.505_507del.
Protein change: p.Asn169del; deletes asparagine 169.
Molecular consequence: inframe deletion.
Genome position (GRCh38, 1-based): chr6:42,721,828-42,721,830, GTT deleted on the plus strand (AAC on the coding strand, the reverse complement: PRPH2 is on the minus strand); deleting any 3 consecutive bases within chr6:42,721,828-42,721,834 gives the same sequence; the position shown is the placement nearest the transcript's 3' end. VCF-style (leftmost placement, unchanged base first): chr6-42721827-CGTT-C. GRCh37 (hg19) VCF-style: chr6-42689565-CGTT-C.
Other names: c.505_507del (NM_000322.4); short protein forms N169del.
Identifiers: ClinVar variation 98673 (VCV000098673.3), dbSNP rs61755790, ClinGen allele CA226242.

ClinVar aggregate classification (germline): Likely pathogenic. Review status: criteria provided, single submitter (1 of 4 stars). 3 submissions from 3 submitters: Likely pathogenic (1). 2 of the submissions do not count toward it. Last evaluated 2022-06-03.

Conditions:
PRPH2-related disorder. Also called: PRPH2-related disorders; PRPH2-related condition. Identifiers: MedGen CN239395.

Submissions (3):

Blueprint Genetics
Classification: Likely pathogenic for PRPH2-related disorders. Last evaluated: 2022-06-03. Review status: criteria provided, single submitter. Criteria: ACMG Guidelines, 2015. Collection method: clinical testing. Allele origin: germline. Affected: yes. Observed: 1 variant allele.

Leiden Open Variation Database
Classification: Likely pathogenic. Last evaluated: 2021-04-06. Review status: no assertion criteria provided. Collection method: curation. Allele origin: germline. Affected: yes. Not counted in ClinVar's aggregate classification.
Comment: Curator: Global Variome, with Curator vacancy. Submitter to LOVD: Manon Peeters.

Retina International
No classification provided. Review status: no classification provided. Collection method: not provided. Allele origin: not provided. Not counted in ClinVar's aggregate classification.

Literature cited by the submitters: PubMed 14557182 (cited by Leiden Open Variation Database).